The following is an entry in ClinVar:

ClinVar aggregate classification (germline): Pathogenic/Likely pathogenic. Review status: criteria provided, multiple submitters, no conflicts (2 of 4 stars). 3 submissions from 3 submitters: Pathogenic (1); Likely pathogenic (2). Last evaluated 2025-08-19.

Conditions:
Bardet-Biedl syndrome 2 (BBS2). Identifiers: Orphanet 110, MedGen C2936863, MONDO:0014432, OMIM 615981.
Bardet-Biedl syndrome (BBS). Identifiers: Orphanet 110, MedGen C0752166, MONDO:0015229.

Submissions (3):

Women's Health and Genetics/Laboratory Corporation of America, LabCorp
Classification: Pathogenic for Bardet-Biedl syndrome. Last evaluated: 2025-08-19. Review status: criteria provided, single submitter. Criteria: LabCorp Variant Classification Summary - May 2015. Collection method: clinical testing. Allele origin: germline.
Comment: Variant summary: BBS2 c.1166_1169delTCAG (p.Val389AlafsX27) results in a premature termination codon, predicted to cause a truncation of the encoded protein or absence of the protein due to nonsense mediated decay, which are commonly known mechanisms for disease. The variant was absent in 251488 control chromosomes. To our knowledge, no occurrence of c.1166_1169delTCAG in individuals affected with Bardet-Biedl Syndrome and no experimental evidence demonstrating its impact on protein function have been reported. ClinVar contains an entry for this variant (Variation ID: 977697). Based on the evidence outlined above, the variant was classified as pathogenic.

Natera, Inc.
Classification: Likely pathogenic for Bardet-Biedl syndrome type 2. Last evaluated: 2024-05-29. Review status: criteria provided, single submitter. Criteria: Natera Variant Classification Schema (03/2026). Collection method: clinical testing. Allele origin: germline.
Comment: The c.1166_1169del variant in BBS2 is a frameshift variant predicted to shift the reading frame beginning at codon 389 and leads to a stop codon 27 codons downstream. This variant is expected to result in nonsense mediated decay, truncation, or a dysfunctional protein product. This variant is rare in the general population with a frequency below the threshold expected for the associated phenotype(s). Given the available evidence, this variant is classified as Likely Pathogenic.

Baylor Genetics
Classification: Likely pathogenic for Bardet-Biedl syndrome 2. Last evaluated: 2023-02-01. Review status: criteria provided, single submitter. Criteria: ACMG Guidelines, 2015. Collection method: clinical testing. Allele origin: unknown.

NM_031885.5(BBS2):c.1166_1169del (p.Val389fs)

Gene: BBS2 (Bardet-Biedl syndrome 2; minus strand). Cytogenetic location: 16q13.
Variant type: Microsatellite.
Coding change: c.1166_1169del on transcript NM_031885.5 (MANE Select); coding-DNA positions 1166 to 1169, 4 bases deleted (TCAG; older notation c.1166_1169delTCAG).
Protein change: p.Val389fs; shifts the reading frame from valine 389.
Molecular consequence: frameshift variant. On other transcripts: non-coding transcript variant (5).
Genome position (GRCh38, 1-based): chr16:56,501,409-56,501,412, CTGA deleted on the plus strand (TCAG on the coding strand, the reverse complement: BBS2 is on the minus strand); deleting any 4 consecutive bases within chr16:56,501,409-56,501,416 gives the same sequence; the c. name uses the placement nearest the transcript's 3' end. VCF-style (leftmost placement, unchanged base first): chr16-56501408-GCTGA-G. GRCh37 (hg19) VCF-style: chr16-56535320-GCTGA-G.
Other names: c.1166_1169del, p.Val389fs (NM_001377456.1); c.1166_1169delTCAG (NM_031885.5); c.1166_1169del (NM_031885.3); short protein forms V389fs.
Identifiers: ClinVar variation 977697 (VCV000977697.4), dbSNP rs1964269329, ClinGen allele CA2224176506.